The following is an entry in ClinVar:

ClinVar aggregate classification (germline): Conflicting classifications of pathogenicity. Review status: criteria provided, conflicting classifications (1 of 4 stars). 5 submissions from 5 submitters: Uncertain significance (1); Benign (1); Likely benign (3). Last evaluated 2025-12-29.

Conditions:
Familial cancer of breast. Also called: BREAST CANCER, FAMILIAL; hereditary breast carcinoma; Hereditary breast cancer. Identifiers: Orphanet 227535, MedGen C0346153, MONDO:0016419, OMIM 114480. Disease mechanism: loss of function.
Fanconi anemia complementation group J. Also called: BRIP1-Related Fanconi Anemia. Identifiers: Orphanet 84, MedGen C1836860, MONDO:0012187, OMIM 609054.
Hereditary cancer-predisposing syndrome. Also called: Hereditary Cancer Syndrome; Neoplastic Syndromes, Hereditary; Tumor predisposition; Hereditary neoplastic syndrome. Identifiers: Orphanet 140162, MedGen C0027672, MeSH D009386, MONDO:0015356.

Allele frequency attached by ClinVar (database versions not stated): gnomAD exomes below 0.00001.
gnomAD v4.1: 2 of 1,610,326 alleles (0.00012%); highest among the groups gnomAD compares: East Asian, 0.0045%; no homozygotes.

Submissions (5):

Labcorp Genetics (formerly Invitae), Labcorp
Classification: Likely benign for Familial cancer of breast; Fanconi anemia complementation group J. Last evaluated: 2025-12-29. Review status: criteria provided, single submitter. Criteria: Invitae Variant Classification Sherloc (09022015). Collection method: clinical testing. Allele origin: germline.

Molecular Diagnostics Laboratory, Catalan Institute of Oncology
Classification: Uncertain significance for Hereditary cancer-predisposing syndrome. Last evaluated: 2025-04-09. Review status: criteria provided, single submitter. Criteria: ACMG Guidelines, 2015. Collection method: clinical testing. Allele origin: germline.
Comment: PM2_supporting, BP7 c.1809T>C, located in exon 13 of the BRIP1 gene, is predicted to result in no amino acid change, p.(Ile603=) (BP7). It is not present in the population database gnomAD v2.1.1, non cancer dataset (PM2_supporting). The SpliceAI algorithm predicts no significant impact on splicing (deltascore: 0.12). To our knowledge, neither relevant clinical data nor well-stablished functional studies have been reported for this variant. It has been reported in the ClinVar database (1x benign, 3x likely benign). Based on the currently available information, c.1809T>C is classified as an uncertain significance variant according to ACMG guidelines.

Myriad Genetics, Inc.
Classification: Benign for Familial cancer of breast. Last evaluated: 2024-08-29. Review status: criteria provided, single submitter. Criteria: Myriad Autosomal Dominant, Autosomal Recessive and X-Linked Classification Criteria (2023). Collection method: clinical testing. Allele origin: unknown.
Comment: This variant is considered benign. This variant is a silent/synonymous amino acid change and it is not expected to impact splicing.

Ambry Genetics
Classification: Likely benign for Hereditary cancer-predisposing syndrome. Last evaluated: 2019-06-16. Review status: criteria provided, single submitter. Criteria: Ambry Variant Classification Scheme 2023. Collection method: clinical testing. Allele origin: germline.

Color Diagnostics, LLC DBA Color Health
Classification: Likely benign for Hereditary cancer-predisposing syndrome. Last evaluated: 2018-07-03. Review status: criteria provided, single submitter. Criteria: ACMG Guidelines, 2015. Collection method: clinical testing. Allele origin: germline.

NM_032043.3(BRIP1):c.1809T>C (p.Ile603=)

Gene: BRIP1 (BRCA1 interacting DNA helicase 1; minus strand). Cytogenetic location: 17q23.2.
Variant type: single nucleotide variant.
Coding change: c.1809T>C on transcript NM_032043.3 (MANE Select); coding-DNA position 1809, T replaced by C.
Protein change: p.Ile603=; no amino-acid change (isoleucine 603 retained).
Molecular consequence: synonymous variant.
Genome position (GRCh38, 1-based): chr17:61,780,387, A>G on the plus strand (T>C on the coding strand, the complement: BRIP1 is on the minus strand). VCF-style: chr17-61780387-A-G. GRCh37 (hg19) VCF-style: chr17-59857748-A-G.
Identifiers: ClinVar variation 630234 (VCV000630234.18), dbSNP rs370393808, ClinGen allele CA292281940.